The following is an entry in ClinVar:

Single allele

Variant type: Deletion.
Identifiers: ClinVar variation 4076411 (VCV004076411.1).

ClinVar aggregate classification (germline): Pathogenic (1 of 4 stars; one submission).

Conditions:
Lethal left ventricular non-compaction-seizures-hypotonia-cataract-developmental delay syndrome. Also called: Combined oxidative phosphorylation deficiency 31. Identifiers: Orphanet 478049, MedGen C4310661, MONDO:0014976, OMIM 617228.

Submission:

Department of Pediatrics, The First Affiliated Hospital of Wenzhou Medical University
Classification: Pathogenic for Lethal left ventricular non-compaction-seizures-hypotonia-cataract-developmental delay syndrome. Last evaluated: 2024-08-15. Review status: criteria provided, single submitter. Criteria: ACMG Guidelines, 2015. Collection method: clinical testing. Allele origin: paternal. Affected: yes. Observed: 2 variant alleles.
Comment: The MIPEP c.1106+2T>A; p.Glu352ValfsTer2 variant isn’t reported in the literature in multiple individuals affected with Combined Oxidative Phosphorylation Deficiency 31. Functional analysis revealed that the rare canonical splice-site variant c.1106+2T>A induces complete skipping exon 10 (c.1054_1106del), resulting in a frameshift transcript that introduces a premature termination codon (PTC) in exon 11. This molecular defect truncates the (p.Glu352ValfsTer2)open reading frame, theoretically encoding a 352-amino acid polypeptide (versus 755aa wild-type).. Based on available information, this variant is considered to be pathogenic.

Literature cited by the submitters: DOI 10.3389/fcvm.2022.1095882.